The following is an entry in ClinVar:

ClinVar aggregate classification (germline): Uncertain significance (1 of 4 stars; one submission).

Conditions:
Hereditary cancer-predisposing syndrome. Also called: Neoplastic Syndromes, Hereditary; Tumor predisposition; Hereditary neoplastic syndrome; Hereditary Cancer Syndrome. Identifiers: Orphanet 140162, MedGen C0027672, MeSH D009386, MONDO:0015356.
Cardiovascular phenotype. Identifiers: MedGen CN230736.

Submission:

Ambry Genetics
Classification: Uncertain significance for Cardiovascular phenotype; Hereditary cancer-predisposing syndrome. Last evaluated: 2019-12-11. Review status: criteria provided, single submitter. Criteria: Ambry Variant Classification Scheme 2023. Collection method: clinical testing. Allele origin: germline.
Comment: The p.G2689D variant (also known as c.8066G>A), located in coding exon 55 of the NF1 gene, results from a G to A substitution at nucleotide position 8066. The glycine at codon 2689 is replaced by aspartic acid, an amino acid with similar properties. This amino acid position is highly conserved in available vertebrate species. In addition, this alteration is predicted to be deleterious by in silico analysis. Since supporting evidence is limited at this time, the clinical significance of this alteration remains unclear.

NM_001042492.3(NF1):c.8129G>A (p.Gly2710Asp)

Gene: NF1 (neurofibromin 1; plus strand). Cytogenetic location: 17q11.2.
Variant type: single nucleotide variant.
Coding change: c.8129G>A on transcript NM_001042492.3 (MANE Select); coding-DNA position 8129, G replaced by A.
Protein change: p.Gly2710Asp; replaces glycine 2710 with aspartic acid.
Molecular consequence: missense variant.
Genome position (GRCh38, 1-based): chr17:31,358,984, G>A. VCF-style: chr17-31358984-G-A. GRCh37 (hg19) VCF-style: chr17-29686002-G-A.
Other names: c.8066G>A, p.Gly2689Asp (NM_000267.4); short protein forms G2689D, G2710D.
Identifiers: ClinVar variation 827430 (VCV000827430.4), dbSNP rs1597868740, ClinGen allele CA399204146.